The following is an entry in ClinVar:

ClinVar aggregate classification (germline): Benign. Review status: criteria provided, multiple submitters, no conflicts (2 of 4 stars). 7 submissions from 7 submitters: Benign (5). 2 of the submissions do not count toward it. Last evaluated 2026-02-04.

Conditions:
Arrhythmogenic right ventricular dysplasia 13. Also called: ARRHYTHMOGENIC RIGHT VENTRICULAR CARDIOMYOPATHY 13; Arrhythmogenic right ventricular dysplasia, familial, 13. Identifiers: MedGen C3810138, MONDO:0000908, OMIM 615616.

Allele frequency attached by ClinVar (database versions not stated): gnomAD exomes 0.02347 and 0.03418; ExAC 0.03804; gnomAD 0.04630 and 0.04741; ESP Exome Variant Server 0.04805; TOPMed 0.04877; 1000 Genomes Project 30x 0.06683; 1000 Genomes Project 0.06909.
gnomAD v4.1: 41,960 of 1,603,824 alleles (2.6%); highest among the groups gnomAD compares: African/African-American, 11%; 1,232 homozygotes.

Submissions (7):

Labcorp Genetics (formerly Invitae), Labcorp
Classification: Benign for Arrhythmogenic right ventricular dysplasia 13. Last evaluated: 2026-02-04. Review status: criteria provided, single submitter. Criteria: Invitae Variant Classification Sherloc (09022015). Collection method: clinical testing. Allele origin: germline.

Blueprint Genetics
Classification: Benign. Last evaluated: 2024-11-27. Review status: criteria provided, single submitter. Criteria: ACMG Guidelines, 2015. Collection method: clinical testing. Allele origin: germline.

Women's Health and Genetics/Laboratory Corporation of America, LabCorp
Classification: Benign. Last evaluated: 2023-04-10. Review status: criteria provided, single submitter. Criteria: LabCorp Variant Classification Summary - May 2015. Collection method: clinical testing. Allele origin: germline.

GeneDx
Classification: Benign. Last evaluated: 2017-10-26. Review status: criteria provided, single submitter. Criteria: GeneDx Variant Classification (06012015). Collection method: clinical testing. Allele origin: germline. Affected: yes.
Comment: This variant is considered likely benign or benign based on one or more of the following criteria: it is a conservative change, it occurs at a poorly conserved position in the protein, it is predicted to be benign by multiple in silico algorithms, and/or has population frequency not consistent with disease.

Breakthrough Genomics
Classification: Benign. Review status: criteria provided, single submitter. Criteria: ACMG Guidelines, 2015. Collection method: not provided. Allele origin: germline. Inheritance: Autosomal dominant inheritance. Affected: yes.

Clinical Genetics DNA and cytogenetics Diagnostics Lab, Erasmus MC, Erasmus Medical Center
Classification: Benign. Review status: no assertion criteria provided. Collection method: clinical testing. Allele origin: germline. Affected: yes. Study: VKGL Data-share Consensus. Not counted in ClinVar's aggregate classification.

Clinical Genetics, Academic Medical Center
Classification: Benign. Review status: no assertion criteria provided. Collection method: clinical testing. Allele origin: germline. Affected: yes. Study: VKGL Data-share Consensus. Not counted in ClinVar's aggregate classification.

NM_013266.4(CTNNA3):c.1872C>A (p.Val624=)

Gene: CTNNA3 (catenin alpha 3; minus strand). Cytogenetic location: 10q21.3.
Variant type: single nucleotide variant.
Coding change: c.1872C>A on transcript NM_013266.4 (MANE Select); coding-DNA position 1872, C replaced by A.
Protein change: p.Val624=; no amino-acid change (valine 624 retained).
Molecular consequence: synonymous variant.
Genome position (GRCh38, 1-based): chr10:66,280,482, G>T on the plus strand (C>A on the coding strand, the complement: CTNNA3 is on the minus strand). VCF-style: chr10-66280482-G-T. GRCh37 (hg19) VCF-style: chr10-68040240-G-T.
Other names: c.1872C>A, p.Val624= (NM_001127384.3).
Identifiers: ClinVar variation 415368 (VCV000415368.16), dbSNP rs10997034, ClinGen allele CA5519794.